The following is an entry in ClinVar:

ClinVar aggregate classification (germline): Pathogenic (1 of 4 stars; one submission).

Submission:

GeneDx
Classification: Pathogenic. Last evaluated: 2025-06-11. Review status: criteria provided, single submitter. Criteria: GeneDx Variant Classification Process June 2021. Collection method: clinical testing. Allele origin: germline. Affected: yes.
Comment: Not observed at significant frequency in large population cohorts (gnomAD); In silico analysis supports that this missense variant has a deleterious effect on protein structure/function; Has not been previously published as pathogenic or benign to our knowledge

NM_023067.4(FOXL2):c.251T>C (p.Ile84Thr)

Gene: FOXL2 (forkhead box L2; minus strand). Cytogenetic location: 3q22.3.
Variant type: single nucleotide variant.
Coding change: c.251T>C on transcript NM_023067.4 (MANE Select); coding-DNA position 251, T replaced by C.
Protein change: p.Ile84Thr; replaces isoleucine 84 with threonine.
Molecular consequence: missense variant.
Genome position (GRCh38, 1-based): chr3:138,946,472, A>G on the plus strand (T>C on the coding strand, the complement: FOXL2 is on the minus strand). VCF-style: chr3-138946472-A-G. GRCh37 (hg19) VCF-style: chr3-138665314-A-G.
Other names: short protein forms I84T.
Identifiers: ClinVar variation 4537870 (VCV004537870.1).